The following is an entry in ClinVar:

NM_001012759.3(CTU2):c.1320_1331del (p.Trp440_Arg443del)

Gene: CTU2 (cytosolic thiouridylase subunit 2; plus strand). Cytogenetic location: 16q24.3.
Variant type: Deletion.
Coding change: c.1320_1331del on transcript NM_001012759.3 (MANE Select); coding-DNA positions 1320 to 1331, 12 bases deleted (GGCCCAGCGCTG).
Protein change: p.Trp440_Arg443del.
Molecular consequence: inframe deletion.
Genome position (GRCh38, 1-based): chr16:88,714,705-88,714,716, GGCCCAGCGCTG deleted; deleting any 12 consecutive bases within chr16:88,714,701-88,714,716 gives the same sequence; the c. name uses the placement nearest the transcript's 3' end. VCF-style (leftmost placement, unchanged base first): chr16-88714700-GGCTGGGCCCAGC-G. GRCh37 (hg19) VCF-style: chr16-88781108-GGCTGGGCCCAGC-G.
Other names: c.1320_1331del, p.Trp440_Arg443del (NM_001012762.3); c.1533_1544del, p.Trp511_Arg514del (NM_001318507.2); c.1059_1070del, p.Trp353_Arg356del (NM_001318513.2).
Identifiers: ClinVar variation 2150297 (VCV002150297.4), dbSNP rs1304796141, ClinGen allele CA725629667.

ClinVar aggregate classification (germline): Uncertain significance (1 of 4 stars; one submission).

Submission:

Labcorp Genetics (formerly Invitae), Labcorp
Classification: Uncertain significance. Last evaluated: 2022-02-18. Review status: criteria provided, single submitter. Criteria: Invitae Variant Classification Sherloc (09022015). Collection method: clinical testing. Allele origin: germline.
Comment: This variant has not been reported in the literature in individuals affected with CTU2-related conditions. In summary, the available evidence is currently insufficient to determine the role of this variant in disease. Therefore, it has been classified as a Variant of Uncertain Significance. Experimental studies and prediction algorithms are not available or were not evaluated, and the functional significance of this variant is currently unknown. This variant is not present in population databases (gnomAD no frequency). This variant, c.1320_1331del, results in the deletion of 4 amino acid(s) of the CTU2 protein (p.Trp440_Arg443del), but otherwise preserves the integrity of the reading frame.